The following is an entry in ClinVar:

ClinVar aggregate classification (germline): Uncertain significance (1 of 4 stars; one submission).

Conditions:
Congenital disorder of glycosylation, type Iaa. Also called: Congenital disorder of glycosylation, type 1aa. Identifiers: MedGen C4310727, MONDO:0014904, OMIM 617082.

Allele frequency attached by ClinVar (database versions not stated): gnomAD exomes 0.00001; gnomAD 0.00001.
gnomAD v4.1: 8 of 1,550,144 alleles (0.00052%); highest among the groups gnomAD compares: Non-Finnish European, 0.0007%; no homozygotes.

Submission:

Labcorp Genetics (formerly Invitae), Labcorp
Classification: Uncertain significance for Congenital disorder of glycosylation, type Iaa. Last evaluated: 2023-03-10. Review status: criteria provided, single submitter. Criteria: Invitae Variant Classification Sherloc (09022015). Collection method: clinical testing. Allele origin: germline.
Comment: This sequence change replaces leucine, which is neutral and non-polar, with valine, which is neutral and non-polar, at codon 52 of the NUS1 protein (p.Leu52Val). The frequency data for this variant in the population databases is considered unreliable, as metrics indicate poor data quality at this position in the gnomAD database. This missense change has been observed in individual(s) with clinical features of NUS1-related conditions (Invitae). ClinVar contains an entry for this variant (Variation ID: 1349351). An algorithm developed to predict the effect of missense changes on protein structure and function (PolyPhen-2) suggests that this variant is likely to be tolerated. In summary, the available evidence is currently insufficient to determine the role of this variant in disease. Therefore, it has been classified as a Variant of Uncertain Significance.

NM_138459.5(NUS1):c.154C>G (p.Leu52Val)

Gene: NUS1 (NUS1 dehydrodolichyl diphosphate synthase subunit; plus strand). Cytogenetic location: 6q22.1.
Variant type: single nucleotide variant.
Coding change: c.154C>G on transcript NM_138459.5 (MANE Select); coding-DNA position 154, C replaced by G.
Protein change: p.Leu52Val; replaces leucine 52 with valine.
Molecular consequence: missense variant.
Genome position (GRCh38, 1-based): chr6:117,675,824, C>G. VCF-style: chr6-117675824-C-G. GRCh37 (hg19) VCF-style: chr6-117996987-C-G.
Other names: short protein forms L52V.
Identifiers: ClinVar variation 1349351 (VCV001349351.8), dbSNP rs1472312886, ClinGen allele CA365536011.